The following is an entry in ClinVar:

ClinVar aggregate classification (germline): Likely pathogenic (1 of 4 stars; one submission).

Conditions:
Cystic fibrosis (CF). Also called: MUCOVISCIDOSIS. Identifiers: Orphanet 586, MedGen C0010674, MONDO:0009061, OMIM 219700. Disease mechanism: loss of function.

Submission:

Myriad Genetics, Inc.
Classification: Likely pathogenic for Cystic fibrosis. Last evaluated: 2020-02-28. Review status: criteria provided, single submitter. Criteria: Myriad Women's Health Autosomal Recessive and X-Linked Classification Criteria (2019). Collection method: clinical testing. Allele origin: unknown.
Comment: NM_000492.3(CFTR):c.742A>T(R248*) is expected to be pathogenic in the context of cystic fibrosis. This variant is predicted to lead to an abnormal or absent protein product due to the creation of a premature termination codon in CFTR, a gene where loss-of-function variants are known to be pathogenic. Please note: this variant was assessed in the context of healthy population screening.

NM_000492.4(CFTR):c.742A>T (p.Arg248Ter)

Gene: CFTR (CF transmembrane conductance regulator; plus strand). Cytogenetic location: 7q31.2.
Variant type: single nucleotide variant.
Coding change: c.742A>T on transcript NM_000492.4 (MANE Select); coding-DNA position 742, A replaced by T.
Protein change: p.Arg248Ter; replaces arginine 248 with a stop codon.
Molecular consequence: nonsense.
Genome position (GRCh38, 1-based): chr7:117,535,410, A>T. VCF-style: chr7-117535410-A-T. GRCh37 (hg19) VCF-style: chr7-117175464-A-T.
Other names: short protein forms R248*.
Identifiers: ClinVar variation 984342 (VCV000984342.3), dbSNP rs1554380515, ClinGen allele CA368977227.